The following is an entry in ClinVar:

NM_000153.4(GALC):c.1171_1175delinsA (p.His391fs)

Gene: GALC (galactosylceramidase; minus strand). Cytogenetic location: 14q31.3.
Variant type: Indel.
Coding change: c.1171_1175delinsA on transcript NM_000153.4 (MANE Select); coding-DNA positions 1171 to 1175, CATTC replaced by A.
Protein change: p.His391fs; shifts the reading frame from histidine 391.
Molecular consequence: frameshift variant.
Genome position (GRCh38, 1-based): chr14:87,950,735-87,950,739, GAATG replaced by T on the plus strand (CATTC replaced by A on the coding strand, the reverse complement: GALC is on the minus strand). VCF-style: chr14-87950735-GAATG-T. GRCh37 (hg19) VCF-style: chr14-88417079-GAATG-T.
Other names: c.1102_1106delinsA, p.His368fs (NM_001201401.2); c.1093_1097delinsA, p.His365fs (NM_001201402.2); short protein forms H365fs, H368fs, H391fs.
Identifiers: ClinVar variation 1701243 (VCV001701243.36), dbSNP rs1885269233, ClinGen allele CA2580088887.

ClinVar aggregate classification (germline): Pathogenic. Review status: criteria provided, multiple submitters, no conflicts (2 of 4 stars). 2 submissions from 2 submitters: Pathogenic (2). Last evaluated 2023-06-09.

Conditions:
Galactosylceramide beta-galactosidase deficiency. Also called: GALACTOCEREBROSIDASE DEFICIENCY; GALC DEFICIENCY; GLOBOID CELL LEUKOENCEPHALOPATHY; Leukodystrophy, Globoid Cell; Krabbe Disease. Identifiers: Orphanet 487, MedGen C0023521, MONDO:0009499, OMIM 245200.

Submissions (2):

Labcorp Genetics (formerly Invitae), Labcorp
Classification: Pathogenic for Galactosylceramide beta-galactosidase deficiency. Last evaluated: 2023-06-09. Review status: criteria provided, single submitter. Criteria: Invitae Variant Classification Sherloc (09022015). Collection method: clinical testing. Allele origin: germline.
Comment: This sequence change creates a premature translational stop signal (p.His391Ilefs*65) in the GALC gene. It is expected to result in an absent or disrupted protein product. Loss-of-function variants in GALC are known to be pathogenic (PMID: 7437911, 9272171, 16607461). Information on the frequency of this variant in the gnomAD database is not available, as this variant may be reported differently in the database. This premature translational stop signal has been observed in individual(s) with Krabbe disease (PMID: 20886637). For these reasons, this variant has been classified as Pathogenic.

CeGaT Center for Human Genetics Tuebingen
Classification: Pathogenic. Last evaluated: 2021-12-01. Review status: criteria provided, single submitter. Criteria: CeGaT Center For Human Genetics Tuebingen Variant Classification Criteria Version 2. Collection method: clinical testing. Allele origin: germline. Affected: yes. Observed: 2 variant alleles.

Literature cited by the submitters: PubMed 7437911 (cited by Labcorp Genetics (formerly Invitae), Labcorp); PubMed 9272171 (cited by Labcorp Genetics (formerly Invitae), Labcorp); PubMed 16607461 (cited by Labcorp Genetics (formerly Invitae), Labcorp); PubMed 20886637 (cited by Labcorp Genetics (formerly Invitae), Labcorp).